The following is an entry in ClinVar:

NM_001171613.2(PREPL):c.1235G>T (p.Gly412Val)

Gene: PREPL (prolyl endopeptidase like; minus strand). Cytogenetic location: 2p21.
Variant type: single nucleotide variant.
Coding change: c.1235G>T on transcript NM_001171613.2 (MANE Select); coding-DNA position 1235, G replaced by T.
Protein change: p.Gly412Val; replaces glycine 412 with valine.
Molecular consequence: missense variant.
Genome position (GRCh38, 1-based): chr2:44,328,964, C>A on the plus strand (G>T on the coding strand, the complement: PREPL is on the minus strand). VCF-style: chr2-44328964-C-A. GRCh37 (hg19) VCF-style: chr2-44556103-C-A.
Other names: c.1316G>T, p.Gly439Val (NM_001042385.2); c.1304G>T, p.Gly435Val (NM_001042386.2); c.1502G>T, p.Gly501Val (NM_001171603.1, NM_001171606.2, NM_001374275.1 and 2 more transcripts); c.1235G>T, p.Gly412Val (NM_001171617.1, NM_001374277.1); short protein forms G412V, G435V, G501V, G439V.
Identifiers: ClinVar variation 1485500 (VCV001485500.6), dbSNP rs1673812684, ClinGen allele CA346690413.

ClinVar aggregate classification (germline): Uncertain significance (1 of 4 stars; one submission).

Conditions:
Myasthenic syndrome, congenital, 22 (CMS22). Also called: PREPL DEFICIENCY. Identifiers: MedGen C4479088, MONDO:0044299, OMIM 616224.

Submission:

Labcorp Genetics (formerly Invitae), Labcorp
Classification: Uncertain significance for Myasthenic syndrome, congenital, 22. Last evaluated: 2021-09-08. Review status: criteria provided, single submitter. Criteria: Invitae Variant Classification Sherloc (09022015). Collection method: clinical testing. Allele origin: germline.
Comment: This variant is not present in population databases (ExAC no frequency). This variant has not been reported in the literature in individuals affected with PREPL-related conditions. Algorithms developed to predict the effect of missense changes on protein structure and function (SIFT, PolyPhen-2, Align-GVGD) all suggest that this variant is likely to be disruptive. Algorithms developed to predict the effect of sequence changes on RNA splicing suggest that this variant may create or strengthen a splice site. In summary, the available evidence is currently insufficient to determine the role of this variant in disease. Therefore, it has been classified as a Variant of Uncertain Significance. This sequence change replaces glycine with valine at codon 501 of the PREPL protein (p.Gly501Val). The glycine residue is highly conserved and there is a moderate physicochemical difference between glycine and valine.